The following is an entry in ClinVar:

NM_139276.3(STAT3):c.2211dup (p.Gly738fs)

Gene: STAT3 (signal transducer and activator of transcription 3; minus strand). Cytogenetic location: 17q21.2.
Variant type: Duplication.
Coding change: c.2211dup on transcript NM_139276.3 (MANE Select); coding-DNA position 2211, one base duplicated (T; older notation c.2211dupT).
Protein change: p.Gly738fs; shifts the reading frame from glycine 738.
Molecular consequence: frameshift variant.
Genome position (GRCh38, 1-based): chr17:42,316,835, A duplicated on the plus strand (T on the coding strand, the reverse complement: STAT3 is on the minus strand); the first of 3 consecutive A bases (chr17:42,316,835-42,316,837); duplicating any one gives the same sequence. VCF-style (leftmost placement, unchanged base first): chr17-42316834-C-CA. GRCh37 (hg19) VCF-style: chr17-40468852-C-CA.
Other names: c.2176dup, p.Trp726fs (NM_001384990.1); c.2184dup, p.Gly729fs (NM_001384991.1); c.2151dup, p.Gly718fs (NM_001384992.1); c.2199dup, p.Gly734fs (NM_001384993.1); c.2208dup, p.Gly737fs (NM_003150.4, NM_001369514.1, NM_001369516.1); c.2161dup, p.Trp721fs (NM_213662.2, NM_001369517.1, NM_001369518.1); c.2211dup, p.Gly738fs (NM_001369512.1, NM_001369513.1); c.2158dup, p.Trp720fs (NM_001369519.1, NM_001369520.1); and 6 more; short protein forms G705fs, G710fs, G718fs, W720fs, W725fs, G706fs, W721fs, G712fs.
Identifiers: ClinVar variation 2031000 (VCV002031000.4), dbSNP rs2509112498, ClinGen allele CA2580093728.
Genomic context (GRCh38, chr17:42,316,834, plus strand): 5'-CAACCAAATACTCACCAAACTGCCCTCCTGCTGAGGGTTCAGCACCTTCACCATTATTTC[C>CA]AAACTGCATCAATGAATCTAAAGTGCGGGGGGACATCGGCAGGTCAATGGTATTGCTGCA-3'

ClinVar aggregate classification (germline): Uncertain significance (1 of 4 stars; one submission).

Conditions:
Hyper-IgE recurrent infection syndrome 1, autosomal dominant. Also called: JOB SYNDROME; HYPER-IgE SYNDROME 1, AUTOSOMAL DOMINANT, WITH RECURRENT INFECTIONS; Job's Syndrome; STAT3 Hyper IgE Syndrome; Hyper-IgE recurrent infection syndrome 1. Identifiers: Orphanet 2314, MedGen C2936739, MONDO:0007818, OMIM 147060.
STAT3 gain of function. Identifiers: MedGen C4288261.

Submission:

Labcorp Genetics (formerly Invitae), Labcorp
Classification: Uncertain significance for STAT3 gain of function; Hyper-IgE recurrent infection syndrome 1, autosomal dominant. Last evaluated: 2022-09-17. Review status: criteria provided, single submitter. Criteria: Invitae Variant Classification Sherloc (09022015). Collection method: clinical testing. Allele origin: germline.
Comment: This variant is not present in population databases (gnomAD no frequency). This sequence change creates a premature translational stop signal (p.Gly738Trpfs*3) in the STAT3 gene. While this is not anticipated to result in nonsense mediated decay, it is expected to disrupt the last 33 amino acid(s) of the STAT3 protein. In summary, the available evidence is currently insufficient to determine the role of this variant in disease. Therefore, it has been classified as a Variant of Uncertain Significance. Experimental studies and prediction algorithms are not available or were not evaluated, and the functional significance of this variant is currently unknown. This variant has not been reported in the literature in individuals affected with STAT3-related conditions.